The following is an entry in ClinVar:

ClinVar aggregate classification (germline): Likely benign (1 of 4 stars; one submission).

Submission:

CeGaT Center for Human Genetics Tuebingen
Classification: Likely benign. Last evaluated: 2026-05-01. Review status: criteria provided, single submitter. Criteria: CeGaT Center For Human Genetics Tuebingen Variant Classification Criteria Version 2. Collection method: clinical testing. Allele origin: germline. Affected: yes. Observed: 1 variant allele.
Comment: KIF4A: BP4, BP7

NM_012310.5(KIF4A):c.1185G>T (p.Leu395=)

Gene: KIF4A (kinesin family member 4A; plus strand). Cytogenetic location: Xq13.1.
Variant type: single nucleotide variant.
Coding change: c.1185G>T on transcript NM_012310.5 (MANE Select); coding-DNA position 1185, G replaced by T.
Protein change: p.Leu395=; no amino-acid change (leucine 395 retained).
Molecular consequence: synonymous variant.
Genome position (GRCh38, 1-based): chrX:70,341,850, G>T. VCF-style: chrX-70341850-G-T. GRCh37 (hg19) VCF-style: chrX-69561700-G-T.
Identifiers: ClinVar variation 4875091 (VCV004875091.2).